The following is an entry in ClinVar:

NM_001012759.3(CTU2):c.710C>T (p.Ala237Val)

Gene: CTU2 (cytosolic thiouridylase subunit 2; plus strand). Cytogenetic location: 16q24.3.
Variant type: single nucleotide variant.
Coding change: c.710C>T on transcript NM_001012759.3 (MANE Select); coding-DNA position 710, C replaced by T.
Protein change: p.Ala237Val; replaces alanine 237 with valine.
Molecular consequence: missense variant.
Genome position (GRCh38, 1-based): chr16:88,712,878, C>T. VCF-style: chr16-88712878-C-T. GRCh37 (hg19) VCF-style: chr16-88779286-C-T.
Other names: c.710C>T, p.Ala237Val (NM_001012762.3); c.923C>T, p.Ala308Val (NM_001318507.2); c.449C>T, p.Ala150Val (NM_001318513.2); short protein forms A150V, A308V, A237V.
Identifiers: ClinVar variation 1379388 (VCV001379388.3), dbSNP rs200180602, ClinGen allele CA8230453.

ClinVar aggregate classification (germline): Uncertain significance (1 of 4 stars; one submission).

Allele frequency attached by ClinVar (database versions not stated): gnomAD 0.00014; gnomAD exomes 0.00015 and 0.00027; TOPMed 0.00018; ESP Exome Variant Server 0.00023; ExAC 0.00039.
gnomAD v4.1: 221 of 1,535,430 alleles (0.014%); highest among the groups gnomAD compares: Middle Eastern, 0.043%; no homozygotes.

Submission:

Labcorp Genetics (formerly Invitae), Labcorp
Classification: Uncertain significance. Last evaluated: 2022-09-01. Review status: criteria provided, single submitter. Criteria: Invitae Variant Classification Sherloc (09022015). Collection method: clinical testing. Allele origin: germline.
Comment: This sequence change replaces alanine with valine at codon 237 of the CTU2 protein (p.Ala237Val). The alanine residue is highly conserved and there is a small physicochemical difference between alanine and valine. This variant is present in population databases (rs200180602, gnomAD 0.09%). This variant has not been reported in the literature in individuals affected with CTU2-related conditions. ClinVar contains an entry for this variant (Variation ID: 1379388). Algorithms developed to predict the effect of missense changes on protein structure and function are either unavailable or do not agree on the potential impact of this missense change (SIFT: "Not Available"; PolyPhen-2: "Possibly Damaging"; Align-GVGD: "Not Available"). In summary, the available evidence is currently insufficient to determine the role of this variant in disease. Therefore, it has been classified as a Variant of Uncertain Significance.